The following is an entry in ClinVar:

NM_003072.5(SMARCA4):c.2786T>G (p.Leu929Arg)

Gene: SMARCA4 (SWI/SNF related BAF chromatin remodeling complex subunit ATPase 4; plus strand). Cytogenetic location: 19p13.2.
Variant type: single nucleotide variant.
Coding change: c.2786T>G on transcript NM_003072.5 (MANE Select); coding-DNA position 2786, T replaced by G.
Protein change: p.Leu929Arg; replaces leucine 929 with arginine.
Molecular consequence: missense variant. On other transcripts: non-coding transcript variant (1).
Genome position (GRCh38, 1-based): chr19:11,021,894, T>G. VCF-style: chr19-11021894-T-G. GRCh37 (hg19) VCF-style: chr19-11132570-T-G.
Other names: c.2786T>G, p.Leu929Arg (NM_001128844.3, NM_001128845.2, NM_001128846.2 and 6 more transcripts); short protein forms L929R.
Identifiers: ClinVar variation 3636871 (VCV003636871.2).
Genomic context (GRCh38, chr19:11,021,894, plus strand): 5'-TGACGGGCACACCGCTGCAGAACAAGCTTCCCGAGCTCTGGGCGCTGCTCAACTTCCTGC[T>G]GCCCACCATCTTCAAGAGCTGCAGCACCTTCGAGCAGTGGTTTAACGCACCCTTTGCCAT-3'
Protein context (NP_003063.2, residues 919-939): PELWALLNFL[Leu929Arg]PTIFKSCSTF

ClinVar aggregate classification (germline): Uncertain significance (1 of 4 stars; one submission).

Conditions:
Rhabdoid tumor predisposition syndrome 2 (RTPS2). Identifiers: Orphanet 231108, Orphanet 69077, MedGen C2750074, MONDO:0013224, OMIM 613325.

Submission:

Labcorp Genetics (formerly Invitae), Labcorp
Classification: Uncertain significance for Rhabdoid tumor predisposition syndrome 2. Last evaluated: 2024-06-03. Review status: criteria provided, single submitter. Criteria: Invitae Variant Classification Sherloc (09022015). Collection method: clinical testing. Allele origin: germline.
Comment: This sequence change replaces leucine, which is neutral and non-polar, with arginine, which is basic and polar, at codon 929 of the SMARCA4 protein (p.Leu929Arg). This variant is not present in population databases (gnomAD no frequency). This variant has not been reported in the literature in individuals affected with SMARCA4-related conditions. Advanced modeling of protein sequence and biophysical properties (such as structural, functional, and spatial information, amino acid conservation, physicochemical variation, residue mobility, and thermodynamic stability) performed at Invitae indicates that this missense variant is expected to disrupt SMARCA4 protein function with a positive predictive value of 95%. In summary, the available evidence is currently insufficient to determine the role of this variant in disease. Therefore, it has been classified as a Variant of Uncertain Significance.